The following is an entry in ClinVar:

NM_145117.5(NAV2):c.5450G>C (p.Gly1817Ala)

Gene: NAV2 (neuron navigator 2; plus strand). Cytogenetic location: 11p15.1.
Variant type: single nucleotide variant.
Coding change: c.5450G>C on transcript NM_145117.5 (MANE Select); coding-DNA position 5450, G replaced by C.
Protein change: p.Gly1817Ala; replaces glycine 1817 with alanine.
Molecular consequence: missense variant.
Genome position (GRCh38, 1-based): chr11:20,083,131, G>C. VCF-style: chr11-20083131-G-C. GRCh37 (hg19) VCF-style: chr11-20104677-G-C.
Other names: c.5258G>C, p.Gly1753Ala (NM_001111018.2); c.2642G>C, p.Gly881Ala (NM_001111019.3); c.5627G>C, p.Gly1876Ala (NM_001244963.2); c.5459G>C, p.Gly1820Ala (NM_182964.6); short protein forms G1876A, G881A, G1820A, G1753A, G1817A.
Identifiers: ClinVar variation 4982847 (VCV004982847.1).
Genomic context (GRCh38, chr11:20,083,131, plus strand): 5'-CAGATATTGAGGAGATGACGGATTCTTCTTTGCCTTCCTCACCAAAGTTACCGCACAATG[G>C]GTCCACAGGTTCCACCCCACTGCTGAGGAATTCTCACTCCAACTCTCTGTAAGTCTGTCT-3'
Protein context (NP_660093.2, residues 1807-1827): LPSSPKLPHN[Gly1817Ala]STGSTPLLRN

ClinVar aggregate classification (germline): Uncertain significance (1 of 4 stars; one submission).

Conditions:
NAV2-related disorder. Also called: NAV2-related condition.

gnomAD v4.1: 1 of 1,613,924 alleles (0.000062%); highest among the groups gnomAD compares: Non-Finnish European, 0.000085%; no homozygotes.

Submission:

PreventionGenetics, part of Exact Sciences
Classification: Uncertain significance for NAV2-related condition. Last evaluated: 2026-04-20. Review status: criteria provided, single submitter. Criteria: ACMG Guidelines, 2015. Collection method: clinical testing. Allele origin: germline.
Comment: The NAV2 c.5627G>C variant is predicted to result in the amino acid substitution p.Gly1876Ala. To our knowledge, this variant has not been reported in the literature or in a large population database (gnomAD), indicating this variant is rare. At this time, the clinical significance of this variant is uncertain due to the absence of conclusive functional and genetic evidence.